The following is an entry in ClinVar:

NM_000128.4(F11):c.1031G>T (p.Gly344Val)

Gene: F11 (coagulation factor XI; plus strand). Cytogenetic location: 4q35.2.
Variant type: single nucleotide variant.
Coding change: c.1031G>T on transcript NM_000128.4 (MANE Select); coding-DNA position 1031, G replaced by T.
Protein change: p.Gly344Val; replaces glycine 344 with valine.
Molecular consequence: missense variant.
Genome position (GRCh38, 1-based): chr4:186,280,476, G>T. VCF-style: chr4-186280476-G-T. GRCh37 (hg19) VCF-style: chr4-187201630-G-T.
Other names: c.761G>T, p.Gly254Val (NM_001440605.1, NM_001440607.1); c.713G>T, p.Gly238Val (NM_001440606.1, NM_001440608.1); c.983G>T, p.Gly328Val (NM_001440590.1, NM_001440596.1); c.1031G>T, p.Gly344Val (NM_001440593.1); short protein forms G254V, G238V, G328V, G344V.
Identifiers: ClinVar variation 4840167 (VCV004840167.1).

ClinVar aggregate classification (germline): Uncertain significance (1 of 4 stars; one submission).

Conditions:
Inborn genetic diseases. Identifiers: MedGen C0950123, MeSH D030342.

gnomAD v4.1: 1 of 1,614,162 alleles (0.000062%); highest among the groups gnomAD compares: South Asian, 0.0011%; no homozygotes.

Submission:

Ambry Genetics
Classification: Uncertain significance for Inborn genetic diseases. Last evaluated: 2026-02-17. Review status: criteria provided, single submitter. Criteria: Ambry Variant Classification Scheme 2023. Collection method: clinical testing. Allele origin: germline.
Comment: The c.1031G>T (p.G344V) alteration is located in exon 10 (coding exon 9) of the F11 gene. This alteration results from a G to T substitution at nucleotide position 1031, causing the glycine (G) at amino acid position 344 to be replaced by a valine (V). Based on data from gnomAD, the T allele has an overall frequency of <0.001% (1/251436) total alleles studied. The highest observed frequency was 0.003% (1/30614) of South Asian alleles. Based on insufficient or conflicting evidence, the clinical significance of this alteration remains unclear.